The following is an entry in ClinVar:

NM_001277115.2(DNAH11):c.9905A>T (p.Asn3302Ile)

Gene: DNAH11 (dynein axonemal heavy chain 11; plus strand). Cytogenetic location: 7p15.3.
Variant type: single nucleotide variant.
Coding change: c.9905A>T on transcript NM_001277115.2 (MANE Select); coding-DNA position 9905, A replaced by T.
Protein change: p.Asn3302Ile; replaces asparagine 3302 with isoleucine.
Molecular consequence: missense variant.
Genome position (GRCh38, 1-based): chr7:21,787,564, A>T. VCF-style: chr7-21787564-A-T. GRCh37 (hg19) VCF-style: chr7-21827182-A-T.
Other names: short protein forms N3302I.
Identifiers: ClinVar variation 5035435 (VCV005035435.1).

ClinVar aggregate classification (germline): Uncertain significance (1 of 4 stars; one submission).

Conditions:
Primary ciliary dyskinesia. Also called: Ciliary dyskinesia. Identifiers: Orphanet 244, MedGen C0008780, MONDO:0016575, HP:0012265.

Submission:

Ambry Genetics
Classification: Uncertain significance for Primary ciliary dyskinesia. Last evaluated: 2026-07-19. Review status: criteria provided, single submitter. Criteria: Ambry Variant Classification Scheme 2023. Collection method: clinical testing. Allele origin: germline.
Comment: The p.N3302I variant (also known as c.9905A>T), located in coding exon 60 of the DNAH11 gene, results from an A to T substitution at nucleotide position 9905. The asparagine at codon 3302 is replaced by isoleucine, an amino acid with dissimilar properties. This amino acid position is conserved. In addition, this alteration is predicted to be deleterious by in silico analysis. Based on the available evidence, the clinical significance of this variant remains unclear.